The following is an entry in ClinVar:

NM_003738.5(PTCH2):c.1416C>G (p.Phe472Leu)

Gene: PTCH2 (patched 2; minus strand). Cytogenetic location: 1p34.1.
Variant type: single nucleotide variant.
Coding change: c.1416C>G on transcript NM_003738.5 (MANE Select); coding-DNA position 1416, C replaced by G.
Protein change: p.Phe472Leu; replaces phenylalanine 472 with leucine.
Molecular consequence: missense variant.
Genome position (GRCh38, 1-based): chr1:44,829,030, G>C on the plus strand (C>G on the coding strand, the complement: PTCH2 is on the minus strand). VCF-style: chr1-44829030-G-C. GRCh37 (hg19) VCF-style: chr1-45294702-G-C.
Other names: c.1416C>G, p.Phe472Leu (NM_001166292.2); short protein forms F472L.
Identifiers: ClinVar variation 2887301 (VCV002887301.3), dbSNP rs2521976665, ClinGen allele CA340102647.
Genomic context (GRCh38, chr1:44,829,030, plus strand): 5'-ACAAGGCCCCACCTGGAGAGGGGTGCCAGGCAGAGCCTCTGTGAAGGCATGCGCCAGCAG[G>C]AATACGTCATCCACGCCGATTCCCAGAGCCAAGAAGGGCAGCACCTGGAGGGGCAGAGGA-3'
Protein context (NP_003729.3, residues 462-482): LALGIGVDDV[Phe472Leu]LLAHAFTEAL

ClinVar aggregate classification (germline): Uncertain significance (1 of 4 stars; one submission).

Conditions:
Gorlin syndrome. Also called: Nevoid Basal Cell Carcinoma Syndrome; Basal cell nevus syndrome. Identifiers: Orphanet 377, MedGen C0004779, MONDO:0007187.

Allele frequency attached by ClinVar (database versions not stated): gnomAD exomes below 0.00001.

Submission:

Labcorp Genetics (formerly Invitae), Labcorp
Classification: Uncertain significance for Gorlin syndrome. Last evaluated: 2025-07-30. Review status: criteria provided, single submitter. Criteria: Invitae Variant Classification Sherloc (09022015). Collection method: clinical testing. Allele origin: germline.
Comment: This sequence change replaces phenylalanine, which is neutral and non-polar, with leucine, which is neutral and non-polar, at codon 472 of the PTCH2 protein (p.Phe472Leu). This variant is not present in population databases (gnomAD no frequency). This variant has not been reported in the literature in individuals affected with PTCH2-related conditions. ClinVar contains an entry for this variant (Variation ID: 2887301). Invitae Evidence Modeling of protein sequence and biophysical properties (such as structural, functional, and spatial information, amino acid conservation, physicochemical variation, residue mobility, and thermodynamic stability) has been performed for this missense variant. However, the output from this modeling did not meet the statistical confidence thresholds required to predict the impact of this variant on PTCH2 protein function. In summary, the available evidence is currently insufficient to determine the role of this variant in disease. Therefore, it has been classified as a Variant of Uncertain Significance.